The following is an entry in ClinVar:

NM_052947.4(ALPK2):c.3538A>G (p.Arg1180Gly)

Gene: ALPK2 (alpha kinase 2; minus strand). Cytogenetic location: 18q21.31.
Variant type: single nucleotide variant.
Coding change: c.3538A>G on transcript NM_052947.4 (MANE Select); coding-DNA position 3538, A replaced by G.
Protein change: p.Arg1180Gly; replaces arginine 1180 with glycine.
Molecular consequence: missense variant.
Genome position (GRCh38, 1-based): chr18:58,536,649, T>C on the plus strand (A>G on the coding strand, the complement: ALPK2 is on the minus strand). VCF-style: chr18-58536649-T-C. GRCh37 (hg19) VCF-style: chr18-56203881-T-C.
Other names: short protein forms R1180G.
Identifiers: ClinVar variation 1732419 (VCV001732419.3), dbSNP rs889083837, ClinGen allele CA300927079.

ClinVar aggregate classification (germline): Uncertain significance (1 of 4 stars; one submission).

Allele frequency attached by ClinVar (database versions not stated): TOPMed below 0.00001; gnomAD exomes 0.00001.
gnomAD v4.1: 3 of 1,614,124 alleles (0.00019%); highest among the groups gnomAD compares: Non-Finnish European, 0.00025%; no homozygotes.

Submission:

Ambry Genetics
Classification: Uncertain significance. Last evaluated: 2024-04-01. Review status: criteria provided, single submitter. Criteria: Ambry Variant Classification Scheme 2023. Collection method: clinical testing. Allele origin: germline.
Comment: The p.R1180G variant (also known as c.3538A>G), located in coding exon 4 of the ALPK2 gene, results from an A to G substitution at nucleotide position 3538. The arginine at codon 1180 is replaced by glycine, an amino acid with dissimilar properties. This amino acid position is conserved. In addition, this alteration is predicted to be tolerated by in silico analysis. Since supporting evidence is limited at this time, the clinical significance of this alteration remains unclear.